The following is an entry in ClinVar:

NM_032043.3(BRIP1):c.2576-3T>C

Gene: BRIP1 (BRCA1 interacting DNA helicase 1; minus strand). Cytogenetic location: 17q23.2.
Variant type: single nucleotide variant.
Coding change: c.2576-3T>C on transcript NM_032043.3 (MANE Select); 3 bases into the intron before coding-DNA position 2576, T replaced by C.
Molecular consequence: intron variant.
Genome position (GRCh38, 1-based): chr17:61,686,168, A>G on the plus strand (T>C on the coding strand, the complement: BRIP1 is on the minus strand). VCF-style: chr17-61686168-A-G. GRCh37 (hg19) VCF-style: chr17-59763529-A-G.
Identifiers: ClinVar variation 1683382 (VCV001683382.6), dbSNP rs2144119000, ClinGen allele CA2573154266.

ClinVar aggregate classification (germline): Conflicting classifications of pathogenicity. Review status: criteria provided, conflicting classifications (1 of 4 stars). 4 submissions from 4 submitters: Uncertain significance (3); Likely benign (1). Last evaluated 2026-04-17.

Conditions:
Hereditary cancer-predisposing syndrome. Also called: Hereditary Cancer Syndrome; Neoplastic Syndromes, Hereditary; Hereditary neoplastic syndrome; Tumor predisposition. Identifiers: Orphanet 140162, MedGen C0027672, MeSH D009386, MONDO:0015356.
Familial cancer of breast. Also called: BREAST CANCER, FAMILIAL; Hereditary breast cancer; hereditary breast carcinoma. Identifiers: Orphanet 227535, MedGen C0346153, MONDO:0016419, OMIM 114480. Disease mechanism: loss of function.
Fanconi anemia complementation group J. Also called: BRIP1-Related Fanconi Anemia. Identifiers: Orphanet 84, MedGen C1836860, MONDO:0012187, OMIM 609054.

Allele frequency attached by ClinVar (database versions not stated): gnomAD exomes below 0.00001.
gnomAD v4.1: 1 of 1,613,960 alleles (0.000062%); highest among the groups gnomAD compares: Non-Finnish European, 0.000085%; no homozygotes.

Submissions (4):

Ambry Genetics
Classification: Uncertain significance for Hereditary cancer-predisposing syndrome. Last evaluated: 2026-04-17. Review status: criteria provided, single submitter. Criteria: Ambry Variant Classification Scheme 2023. Collection method: clinical testing. Allele origin: germline.
Comment: The c.2576-3T>C intronic variant results from a T to C substitution 3 nucleotides upstream from coding exon 18 in the BRIP1 gene. This nucleotide position is not well conserved in available vertebrate species. In silico splice site analysis predicts that this alteration will not have any significant effect on splicing. Based on the available evidence, the clinical significance of this variant remains unclear.

Myriad Genetics, Inc.
Classification: Likely benign for Familial cancer of breast. Last evaluated: 2024-09-05. Review status: criteria provided, single submitter. Criteria: Myriad Autosomal Dominant, Autosomal Recessive and X-Linked Classification Criteria (2023). Collection method: clinical testing. Allele origin: unknown.
Comment: This variant is considered likely benign. This variant is intronic and is not expected to impact mRNA splicing.

Labcorp Genetics (formerly Invitae), Labcorp
Classification: Uncertain significance for Familial cancer of breast; Fanconi anemia complementation group J. Last evaluated: 2023-09-27. Review status: criteria provided, single submitter. Criteria: Invitae Variant Classification Sherloc (09022015). Collection method: clinical testing. Allele origin: germline.
Comment: In summary, the available evidence is currently insufficient to determine the role of this variant in disease. Therefore, it has been classified as a Variant of Uncertain Significance. Variants that disrupt the consensus splice site are a relatively common cause of aberrant splicing (PMID: 17576681, 9536098). Algorithms developed to predict the effect of sequence changes on RNA splicing suggest that this variant is not likely to affect RNA splicing. ClinVar contains an entry for this variant (Variation ID: 1683382). This variant has not been reported in the literature in individuals affected with BRIP1-related conditions. This variant is not present in population databases (gnomAD no frequency). This sequence change falls in intron 18 of the BRIP1 gene. It does not directly change the encoded amino acid sequence of the BRIP1 protein. It affects a nucleotide within the consensus splice site.

Women's Health and Genetics/Laboratory Corporation of America, LabCorp
Classification: Uncertain significance. Last evaluated: 2022-04-25. Review status: criteria provided, single submitter. Criteria: LabCorp Variant Classification Summary - May 2015. Collection method: clinical testing. Allele origin: germline.

Literature cited by the submitters: PubMed 17576681 (cited by Labcorp Genetics (formerly Invitae), Labcorp); PubMed 9536098 (cited by Labcorp Genetics (formerly Invitae), Labcorp).